The following is an entry in ClinVar:

ClinVar aggregate classification (germline): Uncertain significance. Review status: criteria provided, multiple submitters, no conflicts (2 of 4 stars). 2 submissions from 2 submitters: Uncertain significance (2). Last evaluated 2025-08-26.

Submissions (2):

Ambry Genetics
Classification: Uncertain significance. Last evaluated: 2025-08-26. Review status: criteria provided, single submitter. Criteria: Ambry Variant Classification Scheme 2023. Collection method: clinical testing. Allele origin: germline.

Labcorp Genetics (formerly Invitae), Labcorp
Classification: Uncertain significance. Last evaluated: 2024-06-24. Review status: criteria provided, single submitter. Criteria: Invitae Variant Classification Sherloc (09022015). Collection method: clinical testing. Allele origin: germline.
Comment: This sequence change replaces leucine, which is neutral and non-polar, with valine, which is neutral and non-polar, at codon 905 of the TRPC3 protein (p.Leu905Val). This variant is not present in population databases (gnomAD no frequency). This variant has not been reported in the literature in individuals affected with TRPC3-related conditions. An algorithm developed to predict the effect of missense changes on protein structure and function (PolyPhen-2) suggests that this variant is likely to be disruptive. In summary, the available evidence is currently insufficient to determine the role of this variant in disease. Therefore, it has been classified as a Variant of Uncertain Significance.

NM_001130698.2(TRPC3):c.2713C>G (p.Leu905Val)

Gene: TRPC3 (transient receptor potential cation channel subfamily C member 3; minus strand). Cytogenetic location: 4q27.
Variant type: single nucleotide variant.
Coding change: c.2713C>G on transcript NM_001130698.2 (MANE Select); coding-DNA position 2713, C replaced by G.
Protein change: p.Leu905Val; replaces leucine 905 with valine.
Molecular consequence: missense variant.
Genome position (GRCh38, 1-based): chr4:121,879,789, G>C on the plus strand (C>G on the coding strand, the complement: TRPC3 is on the minus strand). VCF-style: chr4-121879789-G-C. GRCh37 (hg19) VCF-style: chr4-122800944-G-C.
Other names: c.2713C>G (NM_001130698.1); c.2629C>G, p.Leu877Val (NM_001366479.2); c.2494C>G, p.Leu832Val (NM_003305.2); short protein forms L905V, L877V, L832V.
Identifiers: ClinVar variation 3641472 (VCV003641472.3).
Genomic context (GRCh38, chr4:121,879,789, plus strand): 5'-TGCTGCATCATTCACATCTCAGCATGCTGGGATTCAGTTTCTCACTAAGTTTATGAATTA[G>C]AATGGCTAATTCCTCAGTTGCTTGGCTCTTGTCTTCCAAAAGTTCATAACGAAGGCTGGA-3'
Protein context (NP_001124170.1, residues 895-915): KSQATEELAI[Leu905Val]IHKLSEKLNP